The following is an entry in ClinVar:

NM_000760.4(CSF3R):c.1678A>T (p.Thr560Ser)

Gene: CSF3R (colony stimulating factor 3 receptor; minus strand). Cytogenetic location: 1p34.3.
Variant type: single nucleotide variant.
Coding change: c.1678A>T on transcript NM_000760.4 (MANE Select); coding-DNA position 1678, A replaced by T.
Protein change: p.Thr560Ser; replaces threonine 560 with serine.
Molecular consequence: missense variant.
Genome position (GRCh38, 1-based): chr1:36,468,120, T>A on the plus strand (A>T on the coding strand, the complement: CSF3R is on the minus strand). VCF-style: chr1-36468120-T-A. GRCh37 (hg19) VCF-style: chr1-36933721-T-A.
Other names: c.1678A>T, p.Thr560Ser (NM_156039.3, NM_172313.3); short protein forms T560S.
Identifiers: ClinVar variation 3678843 (VCV003678843.2).

ClinVar aggregate classification (germline): Uncertain significance (1 of 4 stars; one submission).

Conditions:
Autosomal recessive severe congenital neutropenia due to CSF3R deficiency. Also called: Neutropenia, severe congenital, 7, autosomal recessive. Identifiers: Orphanet 420702, MedGen C4310764, MONDO:0014865, OMIM 617014.

gnomAD v4.1: 7 of 1,613,942 alleles (0.00043%); highest among the groups gnomAD compares: Non-Finnish European, 0.00059%; no homozygotes.

Submission:

Labcorp Genetics (formerly Invitae), Labcorp
Classification: Uncertain significance for Autosomal recessive severe congenital neutropenia due to CSF3R deficiency. Last evaluated: 2025-10-21. Review status: criteria provided, single submitter. Criteria: Invitae Variant Classification Sherloc (09022015). Collection method: clinical testing. Allele origin: germline.
Comment: This sequence change replaces threonine, which is neutral and polar, with serine, which is neutral and polar, at codon 560 of the CSF3R protein (p.Thr560Ser). This variant is not present in population databases (gnomAD no frequency). This variant has not been reported in the literature in individuals affected with CSF3R-related conditions. ClinVar contains an entry for this variant (Variation ID: 3678843). Invitae Evidence Modeling of protein sequence and biophysical properties (such as structural, functional, and spatial information, amino acid conservation, physicochemical variation, residue mobility, and thermodynamic stability) has been performed for this missense variant. However, the output from this modeling did not meet the statistical confidence thresholds required to predict the impact of this variant on CSF3R protein function. In summary, the available evidence is currently insufficient to determine the role of this variant in disease. Therefore, it has been classified as a Variant of Uncertain Significance.